The following is an entry in ClinVar:

NC_000016.9:g.(?_31008252)_(31012944_?)dup

Gene: STX1B (syntaxin 1B; minus strand). Cytogenetic location: 16p11.2.
Variant type: Duplication.
Identifiers: ClinVar variation 3243530 (VCV003243530.1).

ClinVar aggregate classification (germline): Likely pathogenic (1 of 4 stars; one submission).

Conditions:
Generalized epilepsy with febrile seizures plus, type 9 (GEFSP9). Also called: GEFS+, TYPE 9. Identifiers: Orphanet 36387, MedGen C4015395, MONDO:0014517, OMIM 616172.

Submission:

Labcorp Genetics (formerly Invitae), Labcorp
Classification: Likely pathogenic for Generalized epilepsy with febrile seizures plus, type 9. Last evaluated: 2023-11-25. Review status: criteria provided, single submitter. Criteria: Invitae Variant Classification Sherloc (09022015). Collection method: clinical testing. Allele origin: unknown.
Comment: This variant results in a copy number gain of the genomic region encompassing exon(s) 2-6 of the STX1B gene. While the exact position of this variant cannot be determined from the data, sub-genic copy number gains are generally in tandem (PMID: 25640679). This variant is predicted to be out-of-frame, and may result in an absent or disrupted protein product. Loss-of-function variants in STX1B are known to be pathogenic (PMID: 25362483). This variant has not been reported in the literature in individuals affected with STX1B-related conditions. In summary, the currently available evidence indicates that the variant is pathogenic, but additional data are needed to prove that conclusively. Therefore, this variant has been classified as Likely Pathogenic.

Literature cited by the submitters: PubMed 25640679; PubMed 25362483.